The following is an entry in ClinVar:

NM_001040108.2(MLH3):c.4227G>A (p.Leu1409=)

Gene: MLH3 (mutL homolog 3; minus strand). Cytogenetic location: 14q24.3.
Variant type: single nucleotide variant.
Coding change: c.4227G>A on transcript NM_001040108.2 (MANE Select); coding-DNA position 4227, G replaced by A.
Protein change: p.Leu1409=; no amino-acid change (leucine 1409 retained).
Molecular consequence: synonymous variant.
Genome position (GRCh38, 1-based): chr14:75,018,844, C>T on the plus strand (G>A on the coding strand, the complement: MLH3 is on the minus strand). VCF-style: chr14-75018844-C-T. GRCh37 (hg19) VCF-style: chr14-75485547-C-T.
Other names: c.4155G>A, p.Leu1385= (NM_014381.3).
Identifiers: ClinVar variation 1585120 (VCV001585120.11), dbSNP rs779314962, ClinGen allele CA7275199.

ClinVar aggregate classification (germline): Benign/Likely benign. Review status: criteria provided, multiple submitters, no conflicts (2 of 4 stars). 3 submissions from 3 submitters: Benign (1); Likely benign (2). Last evaluated 2026-05-06.

Conditions:
Colorectal cancer, hereditary nonpolyposis, type 7. Identifiers: Orphanet 144, MedGen C1858380, MONDO:0013725, OMIM 614385.

Allele frequency attached by ClinVar (database versions not stated): ExAC 0.00008; gnomAD 0.00013 and 0.00014; gnomAD exomes 0.00006 and 0.00002; TOPMed 0.00015.
gnomAD v4.1: 45 of 1,614,002 alleles (0.0028%); highest among the groups gnomAD compares: African/African-American, 0.055%; no homozygotes.

Submissions (3):

Myriad Genetics, Inc.
Classification: Benign for Colorectal cancer, hereditary nonpolyposis, type 7. Last evaluated: 2026-05-06. Review status: criteria provided, single submitter. Criteria: Myriad Autosomal Dominant, Autosomal Recessive and X-Linked Classification Criteria (2023). Collection method: clinical testing. Allele origin: unknown.
Comment: This variant is considered benign. This variant is a silent/synonymous amino acid change and it is not expected to impact splicing.

Labcorp Genetics (formerly Invitae), Labcorp
Classification: Likely benign for Colorectal cancer, hereditary nonpolyposis, type 7. Last evaluated: 2025-12-16. Review status: criteria provided, single submitter. Criteria: Invitae Variant Classification Sherloc (09022015). Collection method: clinical testing. Allele origin: germline.

Ambry Genetics
Classification: Likely benign. Last evaluated: 2020-08-28. Review status: criteria provided, single submitter. Criteria: Ambry Variant Classification Scheme 2023. Collection method: clinical testing. Allele origin: germline.